The following is an entry in ClinVar:

NM_000350.3(ABCA4):c.1225del (p.Arg409fs)

Gene: ABCA4 (ATP binding cassette subfamily A member 4; minus strand). Cytogenetic location: 1p22.1.
Variant type: Deletion.
Coding change: c.1225del on transcript NM_000350.3 (MANE Select); coding-DNA position 1225, one base deleted (A; older notation c.1225delA).
Protein change: p.Arg409fs; shifts the reading frame from arginine 409.
Molecular consequence: frameshift variant.
Genome position (GRCh38, 1-based): chr1:94,079,336, T deleted on the plus strand (A on the coding strand, the reverse complement: ABCA4 is on the minus strand); the first of 2 consecutive T bases (chr1:94,079,336-94,079,337); deleting either gives the same sequence. VCF-style (leftmost placement, unchanged base first): chr1-94079335-CT-C. GRCh37 (hg19) VCF-style: chr1-94544891-CT-C.
Other names: c.1224delA, p.Arg409Glyfs (NM_001425324.1); short protein forms R409fs.
Identifiers: ClinVar variation 7906 (VCV000007906.8), dbSNP rs387906387, ClinGen allele CA119139.

ClinVar aggregate classification (germline): Pathogenic. Review status: criteria provided, multiple submitters, no conflicts (2 of 4 stars). 4 submissions from 4 submitters: Pathogenic (3). 1 of the submissions does not count toward it. Last evaluated 2025-07-17.

Conditions:
ABCA4-related disorder. Also called: ABCA4-related disorders; ABCA4-related condition. Identifiers: MedGen CN239167.
Retinal dystrophy, early-onset severe. Identifiers: MedGen C1858080.

Submissions (4):

GeneDx
Classification: Pathogenic. Last evaluated: 2025-07-17. Review status: criteria provided, single submitter. Criteria: GeneDx Variant Classification Process June 2021. Collection method: clinical testing. Allele origin: germline. Affected: yes.
Comment: Frameshift variant predicted to result in protein truncation or nonsense mediated decay in a gene for which loss of function is a known mechanism of disease; Not observed at significant frequency in large population cohorts (gnomAD); This variant is associated with the following publications: (PMID: 31589614, 35120629, 16546111)

Blueprint Genetics
Classification: Pathogenic for ABCA4-related disorders. Last evaluated: 2024-06-17. Review status: criteria provided, single submitter. Criteria: ACMG Guidelines, 2015. Collection method: clinical testing. Allele origin: germline. Affected: yes. Observed: 1 variant allele.

Labcorp Genetics (formerly Invitae), Labcorp
Classification: Pathogenic. Last evaluated: 2023-11-04. Review status: criteria provided, single submitter. Criteria: Invitae Variant Classification Sherloc (09022015). Collection method: clinical testing. Allele origin: germline.
Comment: This sequence change creates a premature translational stop signal (p.Arg409Glyfs*3) in the ABCA4 gene. It is expected to result in an absent or disrupted protein product. Loss-of-function variants in ABCA4 are known to be pathogenic (PMID: 10958761, 24938718, 25312043, 26780318). This variant is not present in population databases (gnomAD no frequency). This premature translational stop signal has been observed in individual(s) with retinal dystrophy (PMID: 16546111). It has also been observed to segregate with disease in related individuals. ClinVar contains an entry for this variant (Variation ID: 7906). Algorithms developed to predict the effect of sequence changes on RNA splicing suggest that this variant may disrupt the consensus splice site. For these reasons, this variant has been classified as Pathogenic.

OMIM
Classification: Pathogenic for RETINAL DYSTROPHY, EARLY-ONSET SEVERE. Last evaluated: 2006-05-01. Review status: no assertion criteria provided. Collection method: literature only. Allele origin: germline. Not counted in ClinVar's aggregate classification.

Literature cited by the submitters: PubMed 10958761 (cited by Labcorp Genetics (formerly Invitae), Labcorp); PubMed 24938718 (cited by Labcorp Genetics (formerly Invitae), Labcorp); PubMed 25312043 (cited by Labcorp Genetics (formerly Invitae), Labcorp); PubMed 26780318 (cited by Labcorp Genetics (formerly Invitae), Labcorp); PubMed 16546111 (cited by Labcorp Genetics (formerly Invitae), Labcorp and OMIM).